The following is an entry in ClinVar:

NM_203447.4(DOCK8):c.1680-2A>G

Gene: DOCK8 (dedicator of cytokinesis 8; plus strand). Cytogenetic location: 9p24.3.
Variant type: single nucleotide variant.
Coding change: c.1680-2A>G on transcript NM_203447.4 (MANE Select); the canonical splice acceptor site of the intron before coding-DNA position 1680, A replaced by G.
Molecular consequence: splice acceptor variant.
Genome position (GRCh38, 1-based): chr9:368,016, A>G. VCF-style: chr9-368016-A-G. GRCh37 (hg19) VCF-style: chr9-368016-A-G.
Other names: c.1476-2A>G (NM_001193536.2, NM_001190458.2).
Identifiers: ClinVar variation 572171 (VCV000572171.10), dbSNP rs749633690, ClinGen allele CA4957857.

ClinVar aggregate classification (germline): Likely pathogenic. Review status: criteria provided, multiple submitters, no conflicts (2 of 4 stars). 2 submissions from 2 submitters: Likely pathogenic (2). Last evaluated 2020-05-12.

Conditions:
Combined immunodeficiency due to DOCK8 deficiency (HIES2). Also called: HIES autosomal recessive; DOCK8 Deficiency; HYPER-IgE RECURRENT INFECTION SYNDROME 2, AUTOSOMAL RECESSIVE; Hyper-IgE recurrent infection syndrome, autosomal recessive; HYPER-IgE SYNDROME 2, AUTOSOMAL RECESSIVE, WITH RECURRENT INFECTIONS. Identifiers: Orphanet 217390, MedGen C4722305, MONDO:0009478, OMIM 243700.

Allele frequency attached by ClinVar (database versions not stated): gnomAD exomes below 0.00001 and 0.00001; ExAC 0.00001.
gnomAD v4.1: 5 of 1,610,374 alleles (0.00031%); highest among the groups gnomAD compares: Non-Finnish European, 0.00042%; no homozygotes.

Submissions (2):

AiLife Diagnostics
Classification: Likely pathogenic. Last evaluated: 2020-05-12. Review status: criteria provided, single submitter. Criteria: ACMG Guidelines, 2015. Collection method: clinical testing. Allele origin: germline. Affected: yes. Observed: 1 variant allele.

Labcorp Genetics (formerly Invitae), Labcorp
Classification: Likely pathogenic for Combined immunodeficiency due to DOCK8 deficiency. Last evaluated: 2020-01-01. Review status: criteria provided, single submitter. Criteria: Invitae Variant Classification Sherloc (09022015). Collection method: clinical testing. Allele origin: germline.
Comment: In summary, the currently available evidence indicates that the variant is pathogenic, but additional data are needed to prove that conclusively. Therefore, this variant has been classified as Likely Pathogenic. Donor and acceptor splice site variants typically lead to a loss of protein function (PMID: 16199547), and loss-of-function variants in DOCK8 are known to be pathogenic (PMID: 14722525, 19776401). Algorithms developed to predict the effect of sequence changes on RNA splicing suggest that this variant may disrupt the consensus splice site, but this prediction has not been confirmed by published transcriptional studies. This variant has not been reported in the literature in individuals with DOCK8-related conditions. ClinVar contains an entry for this variant (Variation ID: 572171). This variant is present in population databases (rs749633690, ExAC 0.001%). This sequence change affects an acceptor splice site in intron 14 of the DOCK8 gene. It is expected to disrupt RNA splicing and likely results in an absent or disrupted protein product.

Literature cited by the submitters: PubMed 16199547 (cited by Labcorp Genetics (formerly Invitae), Labcorp); PubMed 14722525 (cited by Labcorp Genetics (formerly Invitae), Labcorp); PubMed 19776401 (cited by Labcorp Genetics (formerly Invitae), Labcorp).